The following is an entry in ClinVar:

NM_014633.5(CTR9):c.2618A>G (p.Lys873Arg)

Gene: CTR9 (CTR9 component of Paf1/RNA polymerase II complex; plus strand). Cytogenetic location: 11p15.4.
Variant type: single nucleotide variant.
Coding change: c.2618A>G on transcript NM_014633.5 (MANE Select); coding-DNA position 2618, A replaced by G.
Protein change: p.Lys873Arg; replaces lysine 873 with arginine.
Molecular consequence: missense variant.
Genome position (GRCh38, 1-based): chr11:10,773,164, A>G. VCF-style: chr11-10773164-A-G. GRCh37 (hg19) VCF-style: chr11-10794711-A-G.
Other names: c.2546A>G, p.Lys849Arg (NM_001346279.2); short protein forms K849R, K873R.
Identifiers: ClinVar variation 1479570 (VCV001479570.6), dbSNP rs2135382294, ClinGen allele CA379676337.
Genomic context (GRCh38, chr11:10,773,164, plus strand): 5'-TTTTCTACCATTTTTCCTCATAGGAAGAGAAACGTCTCAGAGAAAAGGAAGAGCAAAAGA[A>G]ACTTTTGGAACAGCGGGCCCAGTATGTGGAGAAGACCAAAAATATTCTTATGTTTACTGG-3'
Protein context (NP_055448.1, residues 863-883): KRLREKEEQK[Lys873Arg]LLEQRAQYVE

ClinVar aggregate classification (germline): Uncertain significance (1 of 4 stars; one submission).

Submission:

Labcorp Genetics (formerly Invitae), Labcorp
Classification: Uncertain significance. Last evaluated: 2024-04-22. Review status: criteria provided, single submitter. Criteria: Invitae Variant Classification Sherloc (09022015). Collection method: clinical testing. Allele origin: germline.
Comment: This sequence change replaces lysine, which is basic and polar, with arginine, which is basic and polar, at codon 873 of the CTR9 protein (p.Lys873Arg). This variant is not present in population databases (gnomAD no frequency). This variant has not been reported in the literature in individuals affected with CTR9-related conditions. ClinVar contains an entry for this variant (Variation ID: 1479570). An algorithm developed to predict the effect of missense changes on protein structure and function (PolyPhen-2) suggests that this variant is likely to be tolerated. In summary, the available evidence is currently insufficient to determine the role of this variant in disease. Therefore, it has been classified as a Variant of Uncertain Significance.